The following is an entry in ClinVar:

ClinVar aggregate classification (germline): Uncertain significance (1 of 4 stars; one submission).

Conditions:
Developmental and epileptic encephalopathy, 30 (DEE30). Also called: Epileptic encephalopathy, early infantile, 30. Identifiers: MedGen C4225360, MONDO:0014595, OMIM 616341.

Submission:

Labcorp Genetics (formerly Invitae), Labcorp
Classification: Uncertain significance for Developmental and epileptic encephalopathy, 30. Last evaluated: 2025-10-01. Review status: criteria provided, single submitter. Criteria: Invitae Variant Classification Sherloc (09022015). Collection method: clinical testing. Allele origin: germline.
Comment: This sequence change falls in intron 9 of the SIK1 gene. It does not directly change the encoded amino acid sequence of the SIK1 protein. It affects a nucleotide within the consensus splice site. This variant is not present in population databases (gnomAD no frequency). This variant has not been reported in the literature in individuals affected with SIK1-related conditions. Variants that disrupt the consensus splice site are a relatively common cause of aberrant splicing (PMID: 17576681, 9536098). Algorithms developed to predict the effect of sequence changes on RNA splicing suggest that this variant may disrupt the consensus splice site. In summary, the available evidence is currently insufficient to determine the role of this variant in disease. Therefore, it has been classified as a Variant of Uncertain Significance.

Literature cited by the submitters: PubMed 17576681; PubMed 9536098.

NM_173354.5(SIK1):c.1119+5G>C

Gene: SIK1 (salt inducible kinase 1; minus strand). Cytogenetic location: 21q22.3.
Variant type: single nucleotide variant.
Coding change: c.1119+5G>C on transcript NM_173354.5 (MANE Select); 5 bases into the intron after coding-DNA position 1119, G replaced by C.
Molecular consequence: intron variant.
Genome position (GRCh38, 1-based): chr21:43,419,854, C>G on the plus strand (G>C on the coding strand, the complement: SIK1 is on the minus strand). VCF-style: chr21-43419854-C-G. GRCh37 (hg19) VCF-style: chr21-44839734-C-G.
Identifiers: ClinVar variation 4752416 (VCV004752416.1).